The following is an entry in ClinVar:

ClinVar aggregate classification (germline): Uncertain significance (1 of 4 stars; one submission).

Submission:

Labcorp Genetics (formerly Invitae), Labcorp
Classification: Uncertain significance. Last evaluated: 2024-05-15. Review status: criteria provided, single submitter. Criteria: Invitae Variant Classification Sherloc (09022015). Collection method: clinical testing. Allele origin: germline.
Comment: This sequence change replaces serine, which is neutral and polar, with threonine, which is neutral and polar, at codon 3498 of the ADGRV1 protein (p.Ser3498Thr). This variant is not present in population databases (gnomAD no frequency). This variant has not been reported in the literature in individuals affected with ADGRV1-related conditions. ClinVar contains an entry for this variant (Variation ID: 1438975). Advanced modeling of protein sequence and biophysical properties (such as structural, functional, and spatial information, amino acid conservation, physicochemical variation, residue mobility, and thermodynamic stability) performed at Invitae indicates that this missense variant is not expected to disrupt ADGRV1 protein function with a negative predictive value of 95%. In summary, the available evidence is currently insufficient to determine the role of this variant in disease. Therefore, it has been classified as a Variant of Uncertain Significance.

NM_032119.4(ADGRV1):c.10492T>A (p.Ser3498Thr)

Gene: ADGRV1 (adhesion G protein-coupled receptor V1; plus strand). Cytogenetic location: 5q14.3.
Variant type: single nucleotide variant.
Coding change: c.10492T>A on transcript NM_032119.4 (MANE Select); coding-DNA position 10492, T replaced by A.
Protein change: p.Ser3498Thr; replaces serine 3498 with threonine.
Molecular consequence: missense variant. On other transcripts: non-coding transcript variant (1).
Genome position (GRCh38, 1-based): chr5:90,729,707, T>A. VCF-style: chr5-90729707-T-A. GRCh37 (hg19) VCF-style: chr5-90025524-T-A.
Other names: short protein forms S3498T.
Identifiers: ClinVar variation 1438975 (VCV001438975.6), dbSNP rs2149819248, ClinGen allele CA360405599.
Genomic context (GRCh38, chr5:90,729,707, plus strand): 5'-CAGAATTCAATTGATATTTTCATCTGGGAGATGGGACAGTCTTCCTTCAGGTATTTTCAG[T>A]CTGTAGATTTTGCTGCTGTTAACAGAATCCACTCCTTCACACCAGCCTCAGGAATAGGTA-3'
Protein context (NP_115495.3, residues 3488-3508): MGQSSFRYFQ[Ser3498Thr]VDFAAVNRIH